The following is an entry in ClinVar:

ClinVar aggregate classification (germline): Uncertain significance. Review status: criteria provided, multiple submitters, no conflicts (2 of 4 stars). 3 submissions from 3 submitters: Uncertain significance (3). Last evaluated 2024-05-25.

Conditions:
Autosomal recessive limb-girdle muscular dystrophy type 2J (LGMDR10). Also called: Limb-girdle muscular dystrophy, type 2J; MUSCULAR DYSTROPHY, LIMB-GIRDLE, AUTOSOMAL RECESSIVE 10. Identifiers: Orphanet 140922, MedGen C1837342, MONDO:0012127, OMIM 608807.
Dilated cardiomyopathy 1G (CMD1G). Identifiers: Orphanet 154, MedGen C1858763, MONDO:0011400, OMIM 604145.

Allele frequency attached by ClinVar (database versions not stated): ExAC 0.00001; gnomAD 0.00001; gnomAD exomes 0.00001; TOPMed 0.00003.
gnomAD v4.1: 44 of 1,613,748 alleles (0.0027%); highest among the groups gnomAD compares: Non-Finnish European, 0.0036%; no homozygotes.

Submissions (3):

Labcorp Genetics (formerly Invitae), Labcorp
Classification: Uncertain significance for Dilated cardiomyopathy 1G; Autosomal recessive limb-girdle muscular dystrophy type 2J. Last evaluated: 2024-05-25. Review status: criteria provided, single submitter. Criteria: Invitae Variant Classification Sherloc (09022015). Collection method: clinical testing. Allele origin: germline.
Comment: This sequence change replaces leucine, which is neutral and non-polar, with phenylalanine, which is neutral and non-polar, at codon 34009 of the TTN protein (p.Leu34009Phe). This variant is present in population databases (rs760604476, gnomAD 0.003%). This variant has not been reported in the literature in individuals affected with TTN-related conditions. ClinVar contains an entry for this variant (Variation ID: 196650). Experimental studies and prediction algorithms are not available or were not evaluated, and the functional significance of this variant is currently unknown. This variant is located in the M band of TTN (PMID: 25589632). Non-truncating variants in this region may be relevant for neuromuscular disorders, but have not been definitively shown to cause cardiomyopathy (PMID: 23975875). In summary, the available evidence is currently insufficient to determine the role of this variant in disease. Therefore, it has been classified as a Variant of Uncertain Significance.

Mayo Clinic Laboratories, Mayo Clinic
Classification: Uncertain significance. Last evaluated: 2023-06-05. Review status: criteria provided, single submitter. Criteria: ACMG Guidelines, 2015. Collection method: clinical testing. Allele origin: germline. Observed: 1 variant allele.

Eurofins Ntd Llc (ga)
Classification: Uncertain significance. Last evaluated: 2014-12-02. Review status: criteria provided, single submitter. Criteria: EGL Classification Definitions 2015. Collection method: clinical testing. Allele origin: germline. Observed: 1 variant allele, 1 heterozygote.

Literature cited by the submitters: PubMed 25589632 (cited by Labcorp Genetics (formerly Invitae), Labcorp); PubMed 23975875 (cited by Labcorp Genetics (formerly Invitae), Labcorp).

NM_001267550.2(TTN):c.102027G>T (p.Leu34009Phe)

Genes: TTN (titin; minus strand), TTN-AS1 (TTN antisense RNA 1; plus strand). Cytogenetic location: 2q31.2.
Variant type: single nucleotide variant.
Coding change: c.102027G>T on transcript NM_001267550.2 (MANE Select); coding-DNA position 102027, G replaced by T.
Protein change: p.Leu34009Phe; replaces leucine 34009 with phenylalanine.
Molecular consequence: missense variant.
Genome position (GRCh38, 1-based): chr2:178,534,588, C>A on the plus strand (G>T on the coding strand, the complement: TTN is on the minus strand). VCF-style: chr2-178534588-C-A. GRCh37 (hg19) VCF-style: chr2-179399315-C-A.
Other names: p.Leu31441Phe; c.97104G>T, p.Leu32368Phe (NM_001256850.1); c.74832G>T, p.Leu24944Phe (NM_003319.4); c.94323G>T, p.Leu31441Phe (NM_133378.4); c.75207G>T, p.Leu25069Phe (NM_133432.3); c.75408G>T, p.Leu25136Phe (NM_133437.4); short protein forms L34009F, L31441F, L25069F, L25136F, L32368F, L24944F.
Identifiers: ClinVar variation 196650 (VCV000196650.13), dbSNP rs760604476, ClinGen allele CA243687.